The following is an entry in ClinVar:

ClinVar aggregate classification (germline): Pathogenic/Likely pathogenic. Review status: criteria provided, multiple submitters, no conflicts (2 of 4 stars). 2 submissions from 2 submitters: Pathogenic (1); Likely pathogenic (1). Last evaluated 2025-06-02.

Conditions:
Ehlers-Danlos syndrome due to tenascin-X deficiency (EDSCLL1). Also called: EDS DUE TO TNX DEFICIENCY; TNX DEFICIENCY; TNXB-Related Classical-Like Ehlers-Danlos Syndrome; EHLERS-DANLOS SYNDROME, CLASSIC-LIKE; Ehlers-Danlos syndrome, classic-like, 1. Identifiers: Orphanet 230839, MedGen C1848029, MONDO:0011670, OMIM 606408.
Vesicoureteral reflux 8 (VUR8). Identifiers: Orphanet 289365, MedGen C4014831, MONDO:0014422, OMIM 615963.

Submissions (2):

Myriad Genetics, Inc.
Classification: Pathogenic for Ehlers-Danlos syndrome due to tenascin-X deficiency. Last evaluated: 2025-06-02. Review status: criteria provided, single submitter. Criteria: Myriad Autosomal Dominant, Autosomal Recessive and X-Linked Classification Criteria (2023). Collection method: clinical testing. Allele origin: unknown.
Comment: NM_019105.6(TNXB):c.703_704dupTG(R236Afs*43) is a frameshift variant classified as pathogenic in the context of classical-like Ehlers-Danlos syndrome, TNXB-related. R236Afs*43 has not been observed in cases with relevant disease. Relevant functional assessments of this variant are not available in the literature. R236Afs*43 has been observed in referenced population frequency databases. In summary, NM_019105.6(TNXB):c.703_704dupTG(R236Afs*43) is a frameshift variant in a gene where loss of function is a known mechanism of disease and is predicted to disrupt protein function. Please note: this variant was assessed in the context of healthy population screening.

Fulgent Genetics
Classification: Likely pathogenic for Ehlers-Danlos syndrome due to tenascin-X deficiency; Vesicoureteral reflux 8. Last evaluated: 2024-06-03. Review status: criteria provided, single submitter. Criteria: ACMG Guidelines, 2015. Collection method: clinical testing. Allele origin: germline.

NM_001365276.2(TNXB):c.703_704dup (p.Arg236fs)

Gene: TNXB (tenascin XB; minus strand). Cytogenetic location: 6p21.33.
Variant type: Microsatellite.
Coding change: c.703_704dup on transcript NM_001365276.2 (MANE Select); coding-DNA positions 703 to 704, 2 bases duplicated (TG; older notation c.703_704dupTG).
Protein change: p.Arg236fs; shifts the reading frame from arginine 236.
Molecular consequence: frameshift variant.
Genome position (GRCh38, 1-based): chr6:32,097,149-32,097,150, CA duplicated on the plus strand (TG on the coding strand, the reverse complement: TNXB is on the minus strand); duplicating any 2 consecutive bases within chr6:32,097,149-32,097,159 gives the same sequence; the c. name uses the placement nearest the transcript's 3' end. VCF-style (leftmost placement, unchanged base first): chr6-32097148-G-GCA. GRCh37 (hg19) VCF-style: chr6-32064925-G-GCA.
Other names: c.703_704dup, p.Arg236fs (NM_001428335.1, NM_019105.8); short protein forms R236fs.
Identifiers: ClinVar variation 3593481 (VCV003593481.2).